The following is an entry in ClinVar:

NM_004304.5(ALK):c.1720G>C (p.Gly574Arg)

Gene: ALK (ALK receptor tyrosine kinase; minus strand). Cytogenetic location: 2p23.2.
Variant type: single nucleotide variant.
Coding change: c.1720G>C on transcript NM_004304.5 (MANE Select); coding-DNA position 1720, G replaced by C.
Protein change: p.Gly574Arg; replaces glycine 574 with arginine.
Molecular consequence: missense variant.
Genome position (GRCh38, 1-based): chr2:29,296,985, C>G on the plus strand (G>C on the coding strand, the complement: ALK is on the minus strand). VCF-style: chr2-29296985-C-G. GRCh37 (hg19) VCF-style: chr2-29519851-C-G.
Other names: short protein forms G574R.
Identifiers: ClinVar variation 899329 (VCV000899329.12), dbSNP rs762358335, ClinGen allele CA346466341.

ClinVar aggregate classification (germline): Conflicting classifications of pathogenicity. Review status: criteria provided, conflicting classifications (1 of 4 stars). 3 submissions from 3 submitters: Uncertain significance (2); Benign (1). Last evaluated 2025-10-15.

Conditions:
Hereditary cancer-predisposing syndrome. Also called: Neoplastic Syndromes, Hereditary; Tumor predisposition; Hereditary Cancer Syndrome; Hereditary neoplastic syndrome. Identifiers: Orphanet 140162, MedGen C0027672, MeSH D009386, MONDO:0015356.
Neuroblastoma, susceptibility to, 3. Also called: ALK-Related Neuroblastic Tumor Susceptibility. Identifiers: Orphanet 635, MedGen C2751681, MONDO:0013083, OMIM 613014.

Submissions (3):

Ambry Genetics
Classification: Uncertain significance for Hereditary cancer-predisposing syndrome. Last evaluated: 2025-10-15. Review status: criteria provided, single submitter. Criteria: Ambry Variant Classification Scheme 2023. Collection method: clinical testing. Allele origin: germline.
Comment: The p.G574R variant (also known as c.1720G>C), located in coding exon 9 of the ALK gene, results from a G to C substitution at nucleotide position 1720. The glycine at codon 574 is replaced by arginine, an amino acid with dissimilar properties. This amino acid position is highly conserved in available vertebrate species. In addition, the in silico prediction for this alteration is inconclusive. Based on the available evidence, the clinical significance of this variant remains unclear.

Labcorp Genetics (formerly Invitae), Labcorp
Classification: Uncertain significance for Neuroblastoma, susceptibility to, 3. Last evaluated: 2024-11-13. Review status: criteria provided, single submitter. Criteria: Invitae Variant Classification Sherloc (09022015). Collection method: clinical testing. Allele origin: germline.
Comment: This sequence change replaces glycine, which is neutral and non-polar, with arginine, which is basic and polar, at codon 574 of the ALK protein (p.Gly574Arg). This variant is not present in population databases (gnomAD no frequency). This variant has not been reported in the literature in individuals affected with ALK-related conditions. ClinVar contains an entry for this variant (Variation ID: 899329). An algorithm developed to predict the effect of missense changes on protein structure and function (PolyPhen-2) suggests that this variant is likely to be disruptive. In summary, the available evidence is currently insufficient to determine the role of this variant in disease. Therefore, it has been classified as a Variant of Uncertain Significance.

Illumina Laboratory Services, Illumina
Classification: Benign for Neuroblastoma, susceptibility to, 3. Last evaluated: 2017-04-28. Review status: criteria provided, single submitter. Criteria: ICSL Variant Classification Criteria 13 December 2019. Collection method: clinical testing. Allele origin: germline.
Comment: This variant was observed as part of a predisposition screen in an ostensibly healthy population. A literature search was performed for the gene, cDNA change, and amino acid change (where applicable). No publications were found based on this search. Allele frequency data from public databases was too high to be consistent with this variant causing disease. Therefore, this variant is classified as benign.